The following is an entry in ClinVar:

ClinVar aggregate classification (germline): Uncertain significance (1 of 4 stars; one submission).

Conditions:
Wilson disease (WND). Also called: Wilson's disease. Identifiers: Orphanet 905, MedGen C0019202, MONDO:0010200, OMIM 277900. Disease mechanism: loss of function.

Submission:

Myriad Genetics, Inc.
Classification: Uncertain significance for Wilson disease. Last evaluated: 2025-12-11. Review status: criteria provided, single submitter. Criteria: Myriad Autosomal Dominant, Autosomal Recessive and X-Linked Classification Criteria (2023). Collection method: clinical testing. Allele origin: unknown.
Comment: NM_000053.3(ATP7B):c.3904-3C>G is an intronic variant classified as a variant of uncertain significance in the context of Wilson disease. c.3904-3C>G has been observed in a case with relevant disease (PMID: 35220961). Relevant functional assessments of this variant are not available in the literature. c.3904-3C>G has not been observed in referenced population frequency databases. In summary, there is insufficient evidence to classify NM_000053.3(ATP7B):c.3904-3C>G as pathogenic or benign. Please note: this variant was assessed in the context of healthy population screening.

Literature cited by the submitters: PubMed 35220961.

NM_000053.4(ATP7B):c.3904-3C>G

Gene: ATP7B (ATPase copper transporting beta; minus strand). Cytogenetic location: 13q14.3.
Variant type: single nucleotide variant.
Coding change: c.3904-3C>G on transcript NM_000053.4 (MANE Select); 3 bases into the intron before coding-DNA position 3904, C replaced by G.
Molecular consequence: intron variant.
Genome position (GRCh38, 1-based): chr13:51,937,396, G>C on the plus strand (C>G on the coding strand, the complement: ATP7B is on the minus strand). VCF-style: chr13-51937396-G-C. GRCh37 (hg19) VCF-style: chr13-52511532-G-C.
Other names: c.3418-3C>G (NM_001406541.1, NM_001406542.1); c.3652-3C>G (NM_001406531.1, NM_001406532.1, NM_001330579.2); c.3670-3C>G (NM_001406527.1, NM_001406528.1, NM_001330578.2); c.3565-3C>G (NM_001406537.1); c.3760-3C>G (NM_001406521.1, NM_001406522.1, NM_001406520.1); c.3898-3C>G (NM_001406513.1); c.3904-3C>G (NM_001406511.1, NM_001406512.1); c.3412-3C>G (NM_001406543.1); and 21 more.
Identifiers: ClinVar variation 5003856 (VCV005003856.1).